The following is an entry in ClinVar:

NM_025074.7(FRAS1):c.14A>T (p.Lys5Ile)

Gene: FRAS1 (Fraser extracellular matrix complex subunit 1; plus strand). Cytogenetic location: 4q21.21.
Variant type: single nucleotide variant.
Coding change: c.14A>T on transcript NM_025074.7 (MANE Select); coding-DNA position 14, A replaced by T.
Protein change: p.Lys5Ile; replaces lysine 5 with isoleucine.
Molecular consequence: missense variant.
Genome position (GRCh38, 1-based): chr4:78,058,023, A>T. VCF-style: chr4-78058023-A-T. GRCh37 (hg19) VCF-style: chr4-78979177-A-T.
Other names: c.14A>T, p.Lys5Ile (NM_001166133.2); short protein forms K5I.
Identifiers: ClinVar variation 2845081 (VCV002845081.3), dbSNP rs1411023697, ClinGen allele CA357463372.

ClinVar aggregate classification (germline): Uncertain significance (1 of 4 stars; one submission).

Allele frequency attached by ClinVar (database versions not stated): gnomAD exomes below 0.00001; gnomAD 0.00002.
gnomAD v4.1: 4 of 1,613,680 alleles (0.00025%); highest among the groups gnomAD compares: Non-Finnish European, 0.00034%; no homozygotes.

Submission:

Labcorp Genetics (formerly Invitae), Labcorp
Classification: Uncertain significance. Last evaluated: 2023-07-28. Review status: criteria provided, single submitter. Criteria: Invitae Variant Classification Sherloc (09022015). Collection method: clinical testing. Allele origin: germline.
Comment: In summary, the available evidence is currently insufficient to determine the role of this variant in disease. Therefore, it has been classified as a Variant of Uncertain Significance. An algorithm developed to predict the effect of missense changes on protein structure and function (PolyPhen-2) suggests that this variant is likely to be tolerated. This variant has not been reported in the literature in individuals affected with FRAS1-related conditions. This variant is present in population databases (no rsID available, gnomAD 0.005%). This sequence change replaces lysine, which is basic and polar, with isoleucine, which is neutral and non-polar, at codon 5 of the FRAS1 protein (p.Lys5Ile).